The following is an entry in ClinVar:

ClinVar aggregate classification (germline): Uncertain significance (1 of 4 stars; one submission).

Submission:

Labcorp Genetics (formerly Invitae), Labcorp
Classification: Uncertain significance. Last evaluated: 2025-02-12. Review status: criteria provided, single submitter. Criteria: Invitae Variant Classification Sherloc (09022015). Collection method: clinical testing. Allele origin: germline.
Comment: This sequence change replaces methionine, which is neutral and non-polar, with leucine, which is neutral and non-polar, at codon 893 of the GRIN2D protein (p.Met893Leu). This variant is present in population databases (no rsID available, gnomAD 0.007%). This variant has not been reported in the literature in individuals affected with GRIN2D-related conditions. Invitae Evidence Modeling of protein sequence and biophysical properties (such as structural, functional, and spatial information, amino acid conservation, physicochemical variation, residue mobility, and thermodynamic stability) indicates that this missense variant is not expected to disrupt GRIN2D protein function with a negative predictive value of 95%. In summary, the available evidence is currently insufficient to determine the role of this variant in disease. Therefore, it has been classified as a Variant of Uncertain Significance.

NM_000836.4(GRIN2D):c.2677A>C (p.Met893Leu)

Gene: GRIN2D (glutamate ionotropic receptor NMDA type subunit 2D; plus strand). Cytogenetic location: 19q13.33.
Variant type: single nucleotide variant.
Coding change: c.2677A>C on transcript NM_000836.4 (MANE Select); coding-DNA position 2677, A replaced by C.
Protein change: p.Met893Leu; replaces methionine 893 with leucine.
Molecular consequence: missense variant.
Genome position (GRCh38, 1-based): chr19:48,442,603, A>C. VCF-style: chr19-48442603-A-C. GRCh37 (hg19) VCF-style: chr19-48945860-A-C.
Other names: short protein forms M893L.
Identifiers: ClinVar variation 4807369 (VCV004807369.1).